The following is an entry in ClinVar:

NM_000243.3(MEFV):c.1229G>A (p.Arg410His)

Gene: MEFV (MEFV innate immunity regulator, pyrin; minus strand). Cytogenetic location: 16p13.3.
Variant type: single nucleotide variant.
Coding change: c.1229G>A on transcript NM_000243.3 (MANE Select); coding-DNA position 1229, G replaced by A.
Protein change: p.Arg410His; replaces arginine 410 with histidine.
Molecular consequence: missense variant.
Genome position (GRCh38, 1-based): chr16:3,249,462, C>T on the plus strand (G>A on the coding strand, the complement: MEFV is on the minus strand). VCF-style: chr16-3249462-C-T. GRCh37 (hg19) VCF-style: chr16-3299462-C-T.
Other names: c.1229G>A (NM_000243.2); c.596G>A, p.Arg199His (NM_001198536.2); short protein forms R410H, R199H.
Identifiers: ClinVar variation 1432085 (VCV001432085.6), dbSNP rs1399033974, ClinGen allele CA394469319.

ClinVar aggregate classification (germline): Uncertain significance. Review status: criteria provided, multiple submitters, no conflicts (2 of 4 stars). 2 submissions from 2 submitters: Uncertain significance (2). Last evaluated 2023-11-03.

Conditions:
Familial Mediterranean fever (FMF). Also called: Periodic peritonitis; Benign paroxysmal peritonitis; POLYSEROSITIS, FAMILIAL PAROXYSMAL; POLYSEROSITIS, RECURRENT. Identifiers: Orphanet 342, MedGen C0031069, MONDO:0018088, OMIM 249100. Disease mechanism: gain of function.

Allele frequency attached by ClinVar (database versions not stated): TOPMed 0.00001; gnomAD 0.00002; gnomAD exomes below 0.00001 and 0.00002.
gnomAD v4.1: 33 of 1,613,884 alleles (0.002%); highest among the groups gnomAD compares: East Asian, 0.062%; 1 homozygote.

Submissions (2):

Labcorp Genetics (formerly Invitae), Labcorp
Classification: Uncertain significance for Familial Mediterranean fever. Last evaluated: 2023-11-03. Review status: criteria provided, single submitter. Criteria: Invitae Variant Classification Sherloc (09022015). Collection method: clinical testing. Allele origin: germline.
Comment: This sequence change replaces arginine, which is basic and polar, with histidine, which is basic and polar, at codon 410 of the MEFV protein (p.Arg410His). The frequency data for this variant in the population databases is considered unreliable, as metrics indicate poor data quality at this position in the gnomAD database. This missense change has been observed in individual(s) with clinical features of familial mediterranean fever (PMID: 27473114, 29151129). ClinVar contains an entry for this variant (Variation ID: 1432085). Algorithms developed to predict the effect of missense changes on protein structure and function output the following: SIFT: "Not Available"; PolyPhen-2: "Benign"; Align-GVGD: "Not Available". The histidine amino acid residue is found in multiple mammalian species, which suggests that this missense change does not adversely affect protein function. In summary, the available evidence is currently insufficient to determine the role of this variant in disease. Therefore, it has been classified as a Variant of Uncertain Significance.

Women's Health and Genetics/Laboratory Corporation of America, LabCorp
Classification: Uncertain significance. Last evaluated: 2023-07-27. Review status: criteria provided, single submitter. Criteria: LabCorp Variant Classification Summary - May 2015. Collection method: clinical testing. Allele origin: germline.
Comment: Variant summary: MEFV c.1229G>A (p.Arg410His) results in a non-conservative amino acid change in the encoded protein sequence. Four of five in-silico tools predict a benign effect of the variant on protein function. The variant allele was found at a frequency of 4e-06 in 250518 control chromosomes. The available data on variant occurrences in the general population are insufficient to allow any conclusion about variant significance. c.1229G>A has been reported in the literature in individuals affected with Familial Mediterranean Fever (example, Migita_2016, Koga_2016, Kishida_2018). These report(s) do not provide unequivocal conclusions about association of the variant with Familial Mediterranean Fever. To our knowledge, no experimental evidence demonstrating an impact on protein function has been reported. The following publications have been ascertained in the context of this evaluation (PMID: 29151129, 27100444, 27473114). One submitter has cited clinical-significance assessments for this variant to ClinVar after 2014 and has classified the variant as uncertain significance. Based on the evidence outlined above, the variant was classified as uncertain significance.

Literature cited by the submitters: PubMed 27473114 (cited by Labcorp Genetics (formerly Invitae), Labcorp and Women's Health and Genetics/Laboratory Corporation of America, LabCorp); PubMed 29151129 (cited by Labcorp Genetics (formerly Invitae), Labcorp and Women's Health and Genetics/Laboratory Corporation of America, LabCorp); PubMed 27100444 (cited by Women's Health and Genetics/Laboratory Corporation of America, LabCorp).